The following is an entry in ClinVar:

NM_001999.4(FBN2):c.847A>G (p.Ile283Val)

Gene: FBN2 (fibrillin 2; minus strand). Cytogenetic location: 5q23.3.
Variant type: single nucleotide variant.
Coding change: c.847A>G on transcript NM_001999.4 (MANE Select); coding-DNA position 847, A replaced by G.
Protein change: p.Ile283Val; replaces isoleucine 283 with valine.
Molecular consequence: missense variant.
Genome position (GRCh38, 1-based): chr5:128,446,586, T>C on the plus strand (A>G on the coding strand, the complement: FBN2 is on the minus strand). VCF-style: chr5-128446586-T-C. GRCh37 (hg19) VCF-style: chr5-127782279-T-C.
Other names: short protein forms I283V.
Identifiers: ClinVar variation 1763519 (VCV001763519.2), dbSNP rs762033123, ClinGen allele CA3395966.

ClinVar aggregate classification (germline): Uncertain significance (1 of 4 stars; one submission).

Conditions:
Familial thoracic aortic aneurysm and aortic dissection (TAAD). Also called: Thoracic aortic aneurysms and dissections. Identifiers: Orphanet 91387, MedGen C4707243, MONDO:0019625.

Allele frequency attached by ClinVar (database versions not stated): gnomAD exomes below 0.00001; ExAC 0.00001.
gnomAD v4.1: 2 of 1,613,836 alleles (0.00012%); highest among the groups gnomAD compares: Non-Finnish European, 0.00017%; no homozygotes.

Submission:

Ambry Genetics
Classification: Uncertain significance for Familial thoracic aortic aneurysm and aortic dissection. Last evaluated: 2018-06-21. Review status: criteria provided, single submitter. Criteria: Ambry Variant Classification Scheme 2023. Collection method: clinical testing. Allele origin: germline.
Comment: The p.I283V variant (also known as c.847A>G), located in coding exon 7 of the FBN2 gene, results from an A to G substitution at nucleotide position 847. The isoleucine at codon 283 is replaced by valine, an amino acid with highly similar properties. This amino acid position is well conserved in available vertebrate species. In addition, this alteration is predicted to be tolerated by in silico analysis. Since supporting evidence is limited at this time, the clinical significance of this alteration remains unclear.